The following is an entry in ClinVar:

ClinVar aggregate classification (germline): Benign (0 of 4 stars; one submission).

Conditions:
NAGPA-related disorder. Also called: NAGPA-related condition.

Allele frequency attached by ClinVar (database versions not stated): ExAC 0.00070; gnomAD 0.00163; TOPMed 0.00193; ESP Exome Variant Server 0.00208; 1000 Genomes Project 30x 0.00219; 1000 Genomes Project 0.00240.
gnomAD v4.1: 505 of 1,613,036 alleles (0.031%); highest among the groups gnomAD compares: African/African-American, 0.55%; 3 homozygotes.

Submission:

PreventionGenetics, part of Exact Sciences
Classification: Benign for NAGPA-related condition. Last evaluated: 2019-04-29. Review status: no assertion criteria provided. Collection method: clinical testing. Allele origin: germline.
Comment: This variant is classified as benign based on ACMG/AMP sequence variant interpretation guidelines (Richards et al. 2015 PMID: 25741868, with internal and published modifications).

NM_016256.4(NAGPA):c.1501G>A (p.Ala501Thr)

Genes: NAGPA (N-acetylglucosamine-1-phosphodiester alpha-N-acetylglucosaminidase; minus strand), LOC125146393 (Sharpr-MPRA regulatory region 11332; plus strand). Cytogenetic location: 16p13.3.
Variant type: single nucleotide variant.
Coding change: c.1501G>A on transcript NM_016256.4 (MANE Select); coding-DNA position 1501, G replaced by A.
Protein change: p.Ala501Thr; replaces alanine 501 with threonine.
Molecular consequence: missense variant.
Genome position (GRCh38, 1-based): chr16:5,025,525, C>T on the plus strand (G>A on the coding strand, the complement: NAGPA is on the minus strand). VCF-style: chr16-5025525-C-T. GRCh37 (hg19) VCF-style: chr16-5075526-C-T.
Other names: short protein forms A501T.
Identifiers: ClinVar variation 3056966 (VCV003056966.2), dbSNP rs141568446, ClinGen allele CA7888349.